The following is an entry in ClinVar:

NM_004793.4(LONP1):c.661G>A (p.Glu221Lys)

Gene: LONP1 (lon peptidase 1, mitochondrial; minus strand). Cytogenetic location: 19p13.3.
Variant type: single nucleotide variant.
Coding change: c.661G>A on transcript NM_004793.4 (MANE Select); coding-DNA position 661, G replaced by A.
Protein change: p.Glu221Lys; replaces glutamic acid 221 with lysine.
Molecular consequence: missense variant. On other transcripts: non-coding transcript variant (1).
Genome position (GRCh38, 1-based): chr19:5,711,980, C>T on the plus strand (G>A on the coding strand, the complement: LONP1 is on the minus strand). VCF-style: chr19-5711980-C-T. GRCh37 (hg19) VCF-style: chr19-5711991-C-T.
Other names: c.469G>A, p.Glu157Lys (NM_001276479.2); c.73G>A, p.Glu25Lys (NM_001276480.1); short protein forms E157K, E25K, E221K.
Identifiers: ClinVar variation 1433056 (VCV001433056.6), dbSNP rs758815144, ClinGen allele CA9115008.

ClinVar aggregate classification (germline): Uncertain significance (1 of 4 stars; one submission).

Allele frequency attached by ClinVar (database versions not stated): gnomAD exomes 0.00006 and 0.00011; ExAC 0.00007; TOPMed 0.00007; gnomAD 0.00009.
gnomAD v4.1: 179 of 1,613,056 alleles (0.011%); highest among the groups gnomAD compares: Non-Finnish European, 0.014%; no homozygotes.

Submission:

Labcorp Genetics (formerly Invitae), Labcorp
Classification: Uncertain significance. Last evaluated: 2023-05-12. Review status: criteria provided, single submitter. Criteria: Invitae Variant Classification Sherloc (09022015). Collection method: clinical testing. Allele origin: germline.
Comment: In summary, the available evidence is currently insufficient to determine the role of this variant in disease. Therefore, it has been classified as a Variant of Uncertain Significance. Advanced modeling of protein sequence and biophysical properties (such as structural, functional, and spatial information, amino acid conservation, physicochemical variation, residue mobility, and thermodynamic stability) performed at Invitae indicates that this missense variant is not expected to disrupt LONP1 protein function. ClinVar contains an entry for this variant (Variation ID: 1433056). This variant has not been reported in the literature in individuals affected with LONP1-related conditions. This variant is present in population databases (rs758815144, gnomAD 0.01%). This sequence change replaces glutamic acid, which is acidic and polar, with lysine, which is basic and polar, at codon 221 of the LONP1 protein (p.Glu221Lys).